The following is an entry in ClinVar:

NM_015046.7(SETX):c.2443T>A (p.Leu815Met)

Gene: SETX (senataxin; minus strand). Cytogenetic location: 9q34.13.
Variant type: single nucleotide variant.
Coding change: c.2443T>A on transcript NM_015046.7 (MANE Select); coding-DNA position 2443, T replaced by A.
Protein change: p.Leu815Met; replaces leucine 815 with methionine.
Molecular consequence: missense variant.
Genome position (GRCh38, 1-based): chr9:132,329,155, A>T on the plus strand (T>A on the coding strand, the complement: SETX is on the minus strand). VCF-style: chr9-132329155-A-T. GRCh37 (hg19) VCF-style: chr9-135204542-A-T.
Other names: c.2443T>A, p.Leu815Met (NM_001351527.2, NM_001351528.2); short protein forms L815M.
Identifiers: ClinVar variation 2940426 (VCV002940426.3), dbSNP rs1271318128, ClinGen allele CA375335902.
Genomic context (GRCh38, chr9:132,329,155, plus strand): 5'-CTCCTTTCTGAACTCCTGTATCTTTCCTTGAATAGAAACTCTCAATGTTAGATACAGTCA[A>T]ATTTTCATCTAAATTGATAGTATTATCGACCAAAGTACTCTTCCTGTGTTGCTTCTTTAT-3'
Protein context (NP_055861.3, residues 805-825): VDNTINLDEN[Leu815Met]TVSNIESFYS

ClinVar aggregate classification (germline): Uncertain significance (1 of 4 stars; one submission).

Conditions:
Amyotrophic lateral sclerosis type 4 (ALS4). Also called: AMYOTROPHIC LATERAL SCLEROSIS 4, JUVENILE; NEURONOPATHY, DISTAL HEREDITARY MOTOR, WITH PYRAMIDAL FEATURES. Identifiers: Orphanet 357043, MedGen C1865409, MONDO:0011223, OMIM 602433.
Spinocerebellar ataxia, autosomal recessive, with axonal neuropathy 2 (SCAN2). Also called: ATAXIA-OCULOMOTOR APRAXIA 2; Ataxia-ocular apraxia-2; Ataxia with Oculomotor Apraxia Type 2; Ataxia with Oculomotor Apraxia. Identifiers: Orphanet 64753, MedGen C1853761, MONDO:0018996, OMIM 606002.

Submission:

Labcorp Genetics (formerly Invitae), Labcorp
Classification: Uncertain significance for Amyotrophic lateral sclerosis type 4; Spinocerebellar ataxia, autosomal recessive, with axonal neuropathy 2. Last evaluated: 2023-04-14. Review status: criteria provided, single submitter. Criteria: Invitae Variant Classification Sherloc (09022015). Collection method: clinical testing. Allele origin: germline.
Comment: In summary, the available evidence is currently insufficient to determine the role of this variant in disease. Therefore, it has been classified as a Variant of Uncertain Significance. This sequence change replaces leucine, which is neutral and non-polar, with methionine, which is neutral and non-polar, at codon 815 of the SETX protein (p.Leu815Met). This variant is not present in population databases (gnomAD no frequency). This variant has not been reported in the literature in individuals affected with SETX-related conditions. Advanced modeling of protein sequence and biophysical properties (such as structural, functional, and spatial information, amino acid conservation, physicochemical variation, residue mobility, and thermodynamic stability) performed at Invitae indicates that this missense variant is not expected to disrupt SETX protein function.